The following is an entry in ClinVar:

NM_003998.4(NFKB1):c.2283G>A (p.Trp761Ter)

Gene: NFKB1 (nuclear factor kappa B subunit 1; plus strand). Cytogenetic location: 4q24.
Variant type: single nucleotide variant.
Coding change: c.2283G>A on transcript NM_003998.4 (MANE Select); coding-DNA position 2283, G replaced by A.
Protein change: p.Trp761Ter; replaces tryptophan 761 with a stop codon.
Molecular consequence: nonsense.
Genome position (GRCh38, 1-based): chr4:102,610,630, G>A. VCF-style: chr4-102610630-G-A. GRCh37 (hg19) VCF-style: chr4-103531787-G-A.
Other names: c.2280G>A, p.Trp760Ter (NM_001165412.2, NM_001319226.2, NM_001382627.1); c.2283G>A, p.Trp761Ter (NM_001382625.1, NM_001382626.1); c.2241G>A, p.Trp747Ter (NM_001382628.1); short protein forms W761*, W760*, W747*.
Identifiers: ClinVar variation 2768082 (VCV002768082.3), dbSNP rs2476562737, ClinGen allele CA357753745.
Genomic context (GRCh38, chr4:102,610,630, plus strand): 5'-CGCAGGAGCAGATCCCCTGGTGGAGAACTTTGAGCCTCTCTATGACCTGGATGACTCTTG[G>A]GAAAATGCAGGAGAGGATGAAGGAGTTGTGCCTGGAACCACGCCTCTAGATATGGCCACC-3'

ClinVar aggregate classification (germline): Pathogenic (1 of 4 stars; one submission).

Submission:

Labcorp Genetics (formerly Invitae), Labcorp
Classification: Pathogenic. Last evaluated: 2023-10-13. Review status: criteria provided, single submitter. Criteria: Invitae Variant Classification Sherloc (09022015). Collection method: clinical testing. Allele origin: germline.
Comment: This sequence change creates a premature translational stop signal (p.Trp761*) in the NFKB1 gene. It is expected to result in an absent or disrupted protein product. Loss-of-function variants in NFKB1 are known to be pathogenic (PMID: 26279205, 29477724). This variant is not present in population databases (gnomAD no frequency). This variant has not been reported in the literature in individuals affected with NFKB1-related conditions. For these reasons, this variant has been classified as Pathogenic.

Literature cited by the submitters: PubMed 26279205; PubMed 29477724.